The following is an entry in ClinVar:

NM_001365536.1(SCN9A):c.4006A>G (p.Ser1336Gly)

Genes: SCN1A-AS1 (SCN1A and SCN9A antisense RNA 1; plus strand), SCN9A (sodium voltage-gated channel alpha subunit 9; minus strand). Cytogenetic location: 2q24.3.
Variant type: single nucleotide variant.
Coding change: c.4006A>G on transcript NM_001365536.1 (MANE Select); coding-DNA position 4006, A replaced by G.
Protein change: p.Ser1336Gly; replaces serine 1336 with glycine.
Molecular consequence: missense variant.
Genome position (GRCh38, 1-based): chr2:166,228,891, T>C on the plus strand (A>G on the coding strand, the complement: SCN9A is on the minus strand). VCF-style: chr2-166228891-T-C. GRCh37 (hg19) VCF-style: chr2-167085401-T-C.
Other names: c.3973A>G, p.Ser1325Gly (NM_002977.4); short protein forms S1325G, S1336G.
Identifiers: ClinVar variation 1005909 (VCV001005909.9), dbSNP rs1694964953, ClinGen allele CA349064274.
Genomic context (GRCh38, chr2:166,228,891, plus strand): 5'-CATCTGTGGTGTTAATACACTCATAGAACTTGCCAGCAAACAAATTTACTCCCATGATGC[T>C]GAATATCAGCCAGAATATAAGACACACAAGTAGCACATTCATGATGGAAGGAATTGCTCC-3'
Protein context (NP_001352465.1, residues 1326-1346): LVCLIFWLIF[Ser1336Gly]IMGVNLFAGK

ClinVar aggregate classification (germline): Uncertain significance (1 of 4 stars; one submission).

Conditions:
Neuropathy, hereditary sensory and autonomic, type 2A (HSAN2A). Also called: HSAN IIA; MORVAN DISEASE; NEUROPATHY, CONGENITAL SENSORY; NEUROPATHY, HEREDITARY SENSORY RADICULAR, AUTOSOMAL RECESSIVE; NEUROPATHY, HEREDITARY SENSORY, TYPE IIA; NEUROPATHY, PROGRESSIVE SENSORY, OF CHILDREN. Identifiers: Orphanet 970, MedGen C2752089, MONDO:0024309, OMIM 201300.
Generalized epilepsy with febrile seizures plus, type 7 (GEFSP7). Also called: GEFS+, TYPE 7. Identifiers: Orphanet 36387, MedGen C2751778, MONDO:0013470, OMIM 613863.

Allele frequency attached by ClinVar (database versions not stated): gnomAD exomes below 0.00001.
gnomAD v4.1: 3 of 1,613,662 alleles (0.00019%); highest among the groups gnomAD compares: Non-Finnish European, 0.00025%; no homozygotes.

Submission:

Labcorp Genetics (formerly Invitae), Labcorp
Classification: Uncertain significance for Neuropathy, hereditary sensory and autonomic, type 2A; Generalized epilepsy with febrile seizures plus, type 7. Last evaluated: 2021-01-12. Review status: criteria provided, single submitter. Criteria: Invitae Variant Classification Sherloc (09022015). Collection method: clinical testing. Allele origin: germline.
Comment: This sequence change replaces serine with glycine at codon 1325 of the SCN9A protein (p.Ser1325Gly). The serine residue is highly conserved and there is a small physicochemical difference between serine and glycine. In summary, the available evidence is currently insufficient to determine the role of this variant in disease. Therefore, it has been classified as a Variant of Uncertain Significance. Algorithms developed to predict the effect of missense changes on protein structure and function are either unavailable or do not agree on the potential impact of this missense change (SIFT: "Tolerated"; PolyPhen-2: "Possibly Damaging"; Align-GVGD: "Class C0"). This variant has not been reported in the literature in individuals with SCN9A-related conditions. This variant is not present in population databases (ExAC no frequency).